The following is an entry in ClinVar:

NM_004360.5(CDH1):c.2047G>A (p.Val683Ile)

Gene: CDH1 (cadherin 1; plus strand). Cytogenetic location: 16q22.1.
Variant type: single nucleotide variant.
Coding change: c.2047G>A on transcript NM_004360.5 (MANE Select); coding-DNA position 2047, G replaced by A.
Protein change: p.Val683Ile; replaces valine 683 with isoleucine.
Molecular consequence: missense variant.
Genome position (GRCh38, 1-based): chr16:68,823,509, G>A. VCF-style: chr16-68823509-G-A. GRCh37 (hg19) VCF-style: chr16-68857412-G-A.
Other names: c.1864G>A, p.Val622Ile (NM_001317184.2); c.499G>A, p.Val167Ile (NM_001317185.2); c.82G>A, p.Val28Ile (NM_001317186.2); short protein forms V167I, V683I, V28I, V622I.
Identifiers: ClinVar variation 1784994 (VCV001784994.3), dbSNP rs758872535, ClinGen allele CA8130189.

ClinVar aggregate classification (germline): Conflicting classifications of pathogenicity. Review status: criteria provided, conflicting classifications (1 of 4 stars). 2 submissions from 2 submitters: Uncertain significance (1); Likely benign (1). Last evaluated 2025-05-02.

Conditions:
Hereditary cancer-predisposing syndrome. Also called: Neoplastic Syndromes, Hereditary; Tumor predisposition; Hereditary Cancer Syndrome; Hereditary neoplastic syndrome. Identifiers: Orphanet 140162, MedGen C0027672, MeSH D009386, MONDO:0015356.
Familial cancer of breast. Also called: BREAST CANCER, FAMILIAL; Hereditary breast cancer; hereditary breast carcinoma. Identifiers: Orphanet 227535, MedGen C0346153, MONDO:0016419, OMIM 114480. Disease mechanism: loss of function.

Allele frequency attached by ClinVar (database versions not stated): gnomAD exomes below 0.00001; ExAC 0.00001.
gnomAD v4.1: 4 of 1,614,042 alleles (0.00025%); highest among the groups gnomAD compares: East Asian, 0.0022%; no homozygotes.

Submissions (2):

Ambry Genetics
Classification: Likely benign for Hereditary cancer-predisposing syndrome. Last evaluated: 2025-05-02. Review status: criteria provided, single submitter. Criteria: Ambry Variant Classification Scheme 2023. Collection method: clinical testing. Allele origin: germline.

Neuberg Centre For Genomic Medicine, NCGM
Classification: Uncertain significance for Familial cancer of breast. Review status: criteria provided, single submitter. Criteria: ACMG Guidelines, 2015. Collection method: clinical testing. Allele origin: germline. Inheritance: Autosomal dominant inheritance. Affected: yes.
Comment: The missense variant c.2047G>A (p.Val683Ile) in CDH1 gene has not been reported previously as a pathogenic variant nor as a benign variant, to our knowledge. The p.Val683Ile variant is reported with the allele frequency (0.00039%) in in gnomAD Exomes and is novel (not in any individuals) in 1000 genome database. The amino acid Val at position 683 is changed to a Ile changing protein sequence and it might alter its composition and physico-chemical properties. In silico tools predict the variant to be tolerated. The residue is conserved across species. The amino acid change p.Val683Ile in CDH1 is predicted as conserved by GERP++ and PhyloP across 100 vertebrates. For these reasons, this variant has been classified as Variant of Uncertain Significance.